The following is an entry in ClinVar:

NM_014967.5(FAN1):c.1129C>T (p.Arg377Trp)

Gene: FAN1 (FANCD2 and FANCI associated nuclease 1; plus strand). Cytogenetic location: 15q13.3.
Variant type: single nucleotide variant.
Coding change: c.1129C>T on transcript NM_014967.5 (MANE Select); coding-DNA position 1129, C replaced by T.
Protein change: p.Arg377Trp; replaces arginine 377 with tryptophan.
Molecular consequence: missense variant.
Genome position (GRCh38, 1-based): chr15:30,905,792, C>T. VCF-style: chr15-30905792-C-T. GRCh37 (hg19) VCF-style: chr15-31197995-C-T.
Other names: c.1129C>T, p.Arg377Trp (NM_001146094.2, NM_001146095.1, NM_001146096.2); short protein forms R377W.
Identifiers: ClinVar variation 711519 (VCV000711519.34), dbSNP rs151322829, ClinGen allele CA7450195.

ClinVar aggregate classification (germline): Likely benign. Review status: criteria provided, multiple submitters, no conflicts (2 of 4 stars). 3 submissions from 3 submitters: Likely benign (3). Last evaluated 2026-09-01.

Allele frequency attached by ClinVar (database versions not stated): 1000 Genomes Project 0.00140; 1000 Genomes Project 30x 0.00156; ExAC 0.00418; gnomAD exomes 0.00425; gnomAD 0.00487; TOPMed 0.00488; ESP Exome Variant Server 0.00561.
gnomAD v4.1: 9,676 of 1,614,198 alleles (0.6%); highest among the groups gnomAD compares: Non-Finnish European, 0.73%; 42 homozygotes.

Submissions (3):

CeGaT Center for Human Genetics Tuebingen
Classification: Likely benign. Last evaluated: 2026-09-01. Review status: criteria provided, single submitter. Criteria: CeGaT Center For Human Genetics Tuebingen Variant Classification Criteria Version 2. Collection method: clinical testing. Allele origin: germline. Affected: yes. Observed: 4 variant alleles.
Comment: FAN1: BP4, BS2

Labcorp Genetics (formerly Invitae), Labcorp
Classification: Likely benign. Last evaluated: 2026-01-15. Review status: criteria provided, single submitter. Criteria: Invitae Variant Classification Sherloc (09022015). Collection method: clinical testing. Allele origin: germline.

Breakthrough Genomics
Classification: Likely benign. Review status: criteria provided, single submitter. Criteria: ACMG Guidelines, 2015. Collection method: not provided. Allele origin: germline. Inheritance: Autosomal recessive inheritance. Affected: yes.